The following is an entry in ClinVar:

ClinVar aggregate classification (germline): Uncertain significance. Review status: criteria provided, multiple submitters, no conflicts (2 of 4 stars). 2 submissions from 2 submitters: Uncertain significance (2). Last evaluated 2021-07-28.

Conditions:
Autosomal recessive nonsyndromic hearing loss 9. Also called: AUDITORY NEUROPATHY, AUTOSOMAL RECESSIVE, 1, TEMPERATURE-SENSITIVE; NEUROSENSORY NONSYNDROMIC RECESSIVE DEAFNESS 9; Deafness, autosomal recessive 9; OTOF-Related Hearing Loss. Identifiers: Orphanet 90636, MedGen C1832828, MONDO:0010986, OMIM 601071.

Allele frequency attached by ClinVar (database versions not stated): gnomAD exomes 0.00001; TOPMed 0.00001.
gnomAD v4.1: 3 of 1,614,264 alleles (0.00019%); highest among the groups gnomAD compares: Admixed American, 0.005%; no homozygotes.

Submissions (2):

Fulgent Genetics
Classification: Uncertain significance for Autosomal recessive nonsyndromic hearing loss 9. Last evaluated: 2021-07-28. Review status: criteria provided, single submitter. Criteria: ACMG Guidelines, 2015. Collection method: clinical testing. Allele origin: unknown.

Laboratory for Molecular Medicine, Mass General Brigham Personalized Medicine
Classification: Uncertain significance. Last evaluated: 2016-06-28. Review status: criteria provided, single submitter. Criteria: LMM Criteria. Collection method: clinical testing. Allele origin: germline. Observed: 1 variant allele.
Comment: The p.Leu1521Leu variant in OTOF has not been previously reported in individuals with hearing loss or auditory neuropathy/dys-synchrony or in large population s tudies. This variant does not alter an amino acid residue and is not located wit hin the splice consensus sequence. However, computational tools predict an impac t on splicing due to the possible creation of a cryptic splice site, though this information is not predictive enough to determine pathogenicity. In summary, th e clinical significance of the p.Leu1521Leu variant is uncertain.

NM_194248.3(OTOF):c.4561C>T (p.Leu1521=)

Gene: OTOF (otoferlin; minus strand). Cytogenetic location: 2p23.3.
Variant type: single nucleotide variant.
Coding change: c.4561C>T on transcript NM_194248.3 (MANE Select); coding-DNA position 4561, C replaced by T.
Protein change: p.Leu1521=; no amino-acid change (leucine 1521 retained).
Molecular consequence: synonymous variant.
Genome position (GRCh38, 1-based): chr2:26,466,016, G>A on the plus strand (C>T on the coding strand, the complement: OTOF is on the minus strand). VCF-style: chr2-26466016-G-A. GRCh37 (hg19) VCF-style: chr2-26688884-G-A.
Other names: c.4561C>T, p.Leu1521= (NM_001287489.2); c.2260C>T, p.Leu754= (NM_004802.4, NM_194323.3); c.2491C>T, p.Leu831= (NM_194322.3).
Identifiers: ClinVar variation 505202 (VCV000505202.6), dbSNP rs905144471, ClinGen allele CA44412440.
Genomic context (GRCh38, chr2:26,466,016, plus strand): 5'-AGACAGGGTTGAGCTGCTTGGAGATGTAGTTCTCCTTGTCGCGGATGTCAGTCTTGCCTA[G>A]CCGGATGGCGATGTAGGGGTCAGCTTTGCCGTTGATGTCAGCAGGGTGCAGGTCCGTGGC-3'
Protein context (NP_919224.1, residues 1511-1531): GKADPYIAIR[Leu1521=]GKTDIRDKEN